The following is an entry in ClinVar:

NC_000008.11:g.10540410_10703730del

Genes: C8orf74 (chromosome 8 open reading frame 74), MIR4286 (microRNA 4286), PRSS51 (serine protease 51), PRSS55 (serine protease 55), RP1L1 (RP1 like 1) and 2 more. Cytogenetic location: 8p23.1.
Variant type: Deletion.
Identifiers: ClinVar variation 4526777 (VCV004526777.1).

ClinVar aggregate classification (germline): Pathogenic (1 of 4 stars; one submission).

Submission:

Centre for Clinical Genetics and Genomic Diagnostics, Zealand University Hospital
Classification: Pathogenic. Last evaluated: 2025-01-31. Review status: criteria provided, single submitter. Criteria: ACMG Guidelines, 2015. Collection method: clinical testing. Allele origin: germline. Affected: yes.
Comment: Compound heterozygous